The following is an entry in ClinVar:

ClinVar aggregate classification (germline): Uncertain significance (1 of 4 stars; one submission).

Conditions:
CHRND-related disorder. Also called: CHRND-Related Disorders; CHRND-related condition.

Allele frequency attached by ClinVar (database versions not stated): gnomAD exomes below 0.00001; ExAC 0.00001.
gnomAD v4.1: 1 of 1,614,192 alleles (0.000062%); highest among the groups gnomAD compares: South Asian, 0.0011%; no homozygotes.

Submission:

PreventionGenetics, part of Exact Sciences
Classification: Uncertain significance for CHRND-related condition. Last evaluated: 2022-10-08. Review status: criteria provided, single submitter. Criteria: ACMG Guidelines, 2015. Collection method: clinical testing. Allele origin: germline.
Comment: The CHRND c.761T>C variant is predicted to result in the amino acid substitution p.Leu254Pro. To our knowledge, this variant has not been reported in the literature. This variant is reported in 0.0033% of alleles in individuals of South Asian descent in gnomAD. At this time, the clinical significance of this variant is uncertain due to the absence of conclusive functional and genetic evidence.

NM_000751.3(CHRND):c.761T>C (p.Leu254Pro)

Gene: CHRND (cholinergic receptor nicotinic delta subunit; plus strand). Cytogenetic location: 2q37.1.
Variant type: single nucleotide variant.
Coding change: c.761T>C on transcript NM_000751.3 (MANE Select); coding-DNA position 761, T replaced by C.
Protein change: p.Leu254Pro; replaces leucine 254 with proline.
Molecular consequence: missense variant. On other transcripts: intron variant (1).
Genome position (GRCh38, 1-based): chr2:232,530,080, T>C. VCF-style: chr2-232530080-T-C. GRCh37 (hg19) VCF-style: chr2-233394790-T-C.
Other names: c.716T>C, p.Leu239Pro (NM_001256657.2); c.458T>C, p.Leu153Pro (NM_001311196.2); c.239-1272T>C (NM_001311195.2); short protein forms L153P, L239P, L254P.
Identifiers: ClinVar variation 2637369 (VCV002637369.1), dbSNP rs748328481, ClinGen allele CA2168133.